The following is an entry in ClinVar:

NM_032043.3(BRIP1):c.409A>C (p.Lys137Gln)

Gene: BRIP1 (BRCA1 interacting DNA helicase 1; minus strand). Cytogenetic location: 17q23.2.
Variant type: single nucleotide variant.
Coding change: c.409A>C on transcript NM_032043.3 (MANE Select); coding-DNA position 409, A replaced by C.
Protein change: p.Lys137Gln; replaces lysine 137 with glutamine.
Molecular consequence: missense variant.
Genome position (GRCh38, 1-based): chr17:61,849,227, T>G on the plus strand (A>C on the coding strand, the complement: BRIP1 is on the minus strand). VCF-style: chr17-61849227-T-G. GRCh37 (hg19) VCF-style: chr17-59926588-T-G.
Other names: short protein forms K137Q.
Identifiers: ClinVar variation 3228138 (VCV003228138.1), dbSNP rs878855157, ClinGen allele CA400484562.

ClinVar aggregate classification (germline): Uncertain significance (1 of 4 stars; one submission).

Conditions:
Hereditary cancer-predisposing syndrome. Also called: Neoplastic Syndromes, Hereditary; Tumor predisposition; Hereditary neoplastic syndrome; Hereditary Cancer Syndrome. Identifiers: Orphanet 140162, MedGen C0027672, MeSH D009386, MONDO:0015356.

Submission:

Ambry Genetics
Classification: Uncertain significance for Hereditary cancer-predisposing syndrome. Last evaluated: 2023-10-26. Review status: criteria provided, single submitter. Criteria: Ambry Variant Classification Scheme 2023. Collection method: clinical testing. Allele origin: germline.
Comment: The p.K137Q variant (also known as c.409A>C), located in coding exon 4 of the BRIP1 gene, results from an A to C substitution at nucleotide position 409. The lysine at codon 137 is replaced by glutamine, an amino acid with similar properties. This amino acid position is highly conserved in available vertebrate species. In addition, this alteration is predicted to be tolerated by in silico analysis. Since supporting evidence is limited at this time, the clinical significance of this alteration remains unclear.